The following is an entry in ClinVar:

ClinVar aggregate classification (germline): Conflicting classifications of pathogenicity. Review status: criteria provided, conflicting classifications (1 of 4 stars). 5 submissions from 5 submitters: Uncertain significance (1); Likely benign (4). Last evaluated 2025-12-31.

Conditions:
Cardiovascular phenotype. Identifiers: MedGen CN230736.
Dilated cardiomyopathy 3B (CMD3B). Also called: CMD3B: DMD-Related Dilated Cardiomyopathy; CARDIOMYOPATHY, DILATED, X-LINKED; DMD-Associated Dilated Cardiomyopathy. Identifiers: Orphanet 154, MedGen C3668940, MONDO:0010542, OMIM 302045.
Duchenne muscular dystrophy (DMD). Also called: Duchenne Muscular Dystrophy (DMD); MUSCULAR DYSTROPHY, PSEUDOHYPERTROPHIC PROGRESSIVE, DUCHENNE TYPE. Identifiers: Orphanet 98896, MedGen C0013264, MONDO:0010679, OMIM 310200.

Allele frequency attached by ClinVar (database versions not stated): gnomAD exomes 0.00011 and 0.00029; ExAC 0.00013; 1000 Genomes Project 30x 0.00021; 1000 Genomes Project 0.00026; gnomAD 0.00005 and 0.00011; TOPMed 0.00005.
gnomAD v4.1: 321 of 1,210,375 alleles (0.027%); highest among the groups gnomAD compares: East Asian, 0.92%; 3 homozygotes.

Submissions (5):

Labcorp Genetics (formerly Invitae), Labcorp
Classification: Likely benign for Duchenne muscular dystrophy. Last evaluated: 2025-12-31. Review status: criteria provided, single submitter. Criteria: Invitae Variant Classification Sherloc (09022015). Collection method: clinical testing. Allele origin: germline.

Blueprint Genetics
Classification: Likely benign. Last evaluated: 2024-11-25. Review status: criteria provided, single submitter. Criteria: ACMG Guidelines, 2015. Collection method: clinical testing. Allele origin: germline.

Ambry Genetics
Classification: Likely benign for Cardiovascular phenotype. Last evaluated: 2020-01-23. Review status: criteria provided, single submitter. Criteria: Ambry Variant Classification Scheme 2023. Collection method: clinical testing. Allele origin: germline.

Illumina Laboratory Services, Illumina
Classification: Uncertain significance for Dilated cardiomyopathy 3B. Last evaluated: 2017-07-26. Review status: criteria provided, single submitter. Criteria: ICSL Variant Classification Criteria 13 December 2019. Collection method: clinical testing. Allele origin: germline.
Comment: This variant was observed as part of a predisposition screen in an ostensibly healthy population. A literature search was performed for the gene, cDNA change, and amino acid change (where applicable). Publications were found based on this search. However, the evidence from the literature, in combination with allele frequency data from public databases where available, was not sufficient to rule this variant in or out of causing disease. Therefore, this variant is classified as a variant of unknown significance.

GeneDx
Classification: Likely benign. Last evaluated: 2017-03-15. Review status: criteria provided, single submitter. Criteria: GeneDx Variant Classification (06012015). Collection method: clinical testing. Allele origin: germline. Affected: yes.
Comment: This variant is considered likely benign or benign based on one or more of the following criteria: it is a conservative change, it occurs at a poorly conserved position in the protein, it is predicted to be benign by multiple in silico algorithms, and/or has population frequency not consistent with disease.

Literature cited by the submitters: PubMed 2691353 (cited by Illumina Laboratory Services, Illumina).

NM_004006.3(DMD):c.2612A>C (p.Lys871Thr)

Gene: DMD (dystrophin; minus strand). Cytogenetic location: Xp21.1.
Variant type: single nucleotide variant.
Coding change: c.2612A>C on transcript NM_004006.3 (MANE Select); coding-DNA position 2612, A replaced by C.
Protein change: p.Lys871Thr; replaces lysine 871 with threonine.
Molecular consequence: missense variant.
Genome position (GRCh38, 1-based): chrX:32,491,287, T>G on the plus strand (A>C on the coding strand, the complement: DMD is on the minus strand). VCF-style: chrX-32491287-T-G. GRCh37 (hg19) VCF-style: chrX-32509404-T-G.
Other names: c.2588A>C, p.Lys863Thr (NM_000109.4); c.2600A>C, p.Lys867Thr (NM_004009.3); c.2243A>C, p.Lys748Thr (NM_004010.3); short protein forms K863T, K748T, K867T.
Identifiers: ClinVar variation 94524 (VCV000094524.18), dbSNP rs398123899, ClinGen allele CA222336.